The following is an entry in ClinVar:

ClinVar aggregate classification (germline): Uncertain significance (0 of 4 stars; one submission).

Conditions:
GNAS-related disorder. Identifiers: MedGen CN380105.

Submission:

PreventionGenetics, part of Exact Sciences
Classification: Uncertain significance for GNAS-related condition. Last evaluated: 2024-02-02. Review status: no assertion criteria provided. Collection method: clinical testing. Allele origin: germline.
Comment: The GNAS c.628G>A variant is predicted to result in the amino acid substitution p.Ala210Thr. To our knowledge, this variant has not been reported in the literature. This variant is reported in 0.0010% of alleles in individuals of European (Non-Finnish) descent in gnomAD. At this time, the clinical significance of this variant is uncertain due to the absence of conclusive functional and genetic evidence.

NM_080425.4(GNAS):c.628G>A (p.Ala210Thr)

Gene: GNAS (GNAS complex locus; plus strand). Cytogenetic location: 20q13.32.
Variant type: single nucleotide variant.
Coding change: c.628G>A on transcript NM_080425.4 (MANE Plus Clinical); coding-DNA position 628, G replaced by A.
Protein change: p.Ala210Thr; replaces alanine 210 with threonine.
Molecular consequence: missense variant. On other transcripts: synonymous variant (2), intron variant (3).
Genome position (GRCh38, 1-based): chr20:58,853,893, G>A. VCF-style: chr20-58853893-G-A. GRCh37 (hg19) VCF-style: chr20-57428948-G-A.
Other names: c.441G>A, p.Arg147= (NM_001077490.3, NM_001309883.1); c.628G>A, p.Ala210Thr (NM_001410913.1); c.*42+13007G>A (NM_016592.5); c.43+13007G>A (NM_001410912.1); c.-39+12018G>A (NM_001309861.2); short protein forms A210T.
Identifiers: ClinVar variation 3047541 (VCV003047541.2), dbSNP rs61749696, ClinGen allele CA9926507.
Genomic context (GRCh38, chr20:58,853,893, plus strand): 5'-GGTGCTGCAGGGGTCCCCGGAGCTCCTCCCGAGGAGCCCCAAGCCCTCAGGCCTGCAAAG[G>A]CTGGCTCCAGAGGAGGCTACAGCCCTCCCCCTGAGGAGACTATGCCATTTGAGCTTGATG-3'
Protein context (NP_536350.2, residues 200-220): EEPQALRPAK[Ala210Thr]GSRGGYSPPP